The following is an entry in ClinVar:

ClinVar aggregate classification (germline): Likely pathogenic (1 of 4 stars; one submission).

Conditions:
Telangiectasia, hereditary hemorrhagic, type 2 (HHT2). Also called: Telangiectasia, hereditary hemorrhagic, type II; ACVRL1-Related Hereditary Hemorrhagic Telangiectasia. Identifiers: Orphanet 774, MedGen C1838163, MONDO:0010880, OMIM 600376. Disease mechanism: loss of function.

Submission:

Department of Pediatrics, Toyota Memorial Hospital
Classification: Likely pathogenic for Telangiectasia, hereditary hemorrhagic, type 2. Last evaluated: 2026-07-01. Review status: criteria provided, single submitter. Criteria: DeMille et al. (Hum Mutat. 2024). Collection method: research. Allele origin: germline. Inheritance: Autosomal dominant inheritance. Affected: yes. Observed: 5 variant alleles, 5 heterozygotes.
Comment: The ACVRL1 c.284G>C (p.Cys95Ser) variant has been identified in a Japanese family with autosomal dominant hereditary hemorrhagic telangiectasia. The variant was absent from large population databases. The variant affects a highly conserved cysteine residue in the extracellular domain of ALK1 and is predicted to disrupt the C90–C95 disulfide bond that stabilizes this domain, and multiple in silico tools consistently predicted a deleterious effect. Additionally, in vitro functional studies indicate that the p.Cys95Ser variant abolishes BMP9-induced signaling, and reduces cell-surface expression. In summary, the p.Cys95Ser variant meets the ACVRL1-specific ACMG/AMP criteria to be classified as likely pathogenic (satisfying PS3_Supporting, PM2_Supporting, PP1_Moderate, PP3, and PP4_Moderate).

Literature cited by the submitters: PubMed 22028876.

NM_000020.3(ACVRL1):c.284G>C (p.Cys95Ser)

Gene: ACVRL1 (activin A receptor like type 1; plus strand). Cytogenetic location: 12q13.13.
Variant type: single nucleotide variant.
Coding change: c.284G>C on transcript NM_000020.3 (MANE Select); coding-DNA position 284, G replaced by C.
Protein change: p.Cys95Ser; replaces cysteine 95 with serine.
Molecular consequence: missense variant. On other transcripts: intron variant (1).
Genome position (GRCh38, 1-based): chr12:51,913,321, G>C. VCF-style: chr12-51913321-G-C. GRCh37 (hg19) VCF-style: chr12-52307105-G-C.
Other names: C95S; c.284G>C, p.Cys95Ser (NM_001077401.2, NM_001406487.1, NM_001406488.1 and 6 more transcripts); c.61+786G>C (NM_001406495.1).
Identifiers: ClinVar variation 4880483 (VCV004880483.1).